The following is an entry in ClinVar:

NM_005228.5(EGFR):c.2105C>T (p.Ala702Val)

Gene: EGFR (epidermal growth factor receptor; plus strand). Cytogenetic location: 7p11.2.
Variant type: single nucleotide variant.
Coding change: c.2105C>T on transcript NM_005228.5 (MANE Select); coding-DNA position 2105, C replaced by T.
Protein change: p.Ala702Val; replaces alanine 702 with valine.
Molecular consequence: missense variant.
Genome position (GRCh38, 1-based): chr7:55,173,964, C>T. VCF-style: chr7-55173964-C-T. GRCh37 (hg19) VCF-style: chr7-55241657-C-T.
Other names: c.1970C>T, p.Ala657Val (NM_001346897.2, NM_001346899.2); c.2105C>T, p.Ala702Val (NM_001346898.2); c.1946C>T, p.Ala649Val (NM_001346900.2); c.1304C>T, p.Ala435Val (NM_001346941.2); short protein forms A657V, A435V, A702V, A649V.
Identifiers: ClinVar variation 1519841 (VCV001519841.8), dbSNP rs549015965, ClinGen allele CA158931884.

ClinVar aggregate classification (germline): Uncertain significance (1 of 4 stars; one submission).

Conditions:
EGFR-related lung cancer (EGFR). Identifiers: MedGen CN130014.

Submission:

Labcorp Genetics (formerly Invitae), Labcorp
Classification: Uncertain significance for EGFR-related lung cancer. Last evaluated: 2021-05-16. Review status: criteria provided, single submitter. Criteria: Invitae Variant Classification Sherloc (09022015). Collection method: clinical testing. Allele origin: germline.
Comment: In summary, the available evidence is currently insufficient to determine the role of this variant in disease. Therefore, it has been classified as a Variant of Uncertain Significance. Algorithms developed to predict the effect of missense changes on protein structure and function are either unavailable or do not agree on the potential impact of this missense change (SIFT: "Deleterious"; PolyPhen-2: "Probably Damaging"; Align-GVGD: "Class C0"). This variant has not been reported in the literature in individuals with EGFR-related conditions. This variant is not present in population databases (ExAC no frequency). This sequence change replaces alanine with valine at codon 702 of the EGFR protein (p.Ala702Val). The alanine residue is moderately conserved and there is a small physicochemical difference between alanine and valine.